The following is an entry in ClinVar:

ClinVar aggregate classification (germline): Uncertain significance (1 of 4 stars; one submission).

Conditions:
Hypertrophic cardiomyopathy. Also called: HYPERTROPHIC MYOCARDIOPATHY. Identifiers: Orphanet 217569, MedGen C0007194, MeSH D002312, MONDO:0005045, HP:0001639.

Submission:

Labcorp Genetics (formerly Invitae), Labcorp
Classification: Uncertain significance for Hypertrophic cardiomyopathy. Last evaluated: 2025-11-30. Review status: criteria provided, single submitter. Criteria: Invitae Variant Classification Sherloc (09022015). Collection method: clinical testing. Allele origin: germline.
Comment: This sequence change replaces alanine, which is neutral and non-polar, with valine, which is neutral and non-polar, at codon 179 of the TPM1 protein (p.Ala179Val). This variant is not present in population databases (gnomAD no frequency). This variant has not been reported in the literature in individuals affected with TPM1-related conditions. An algorithm developed to predict the effect of missense changes on protein structure and function (PolyPhen-2) suggests that this variant is likely to be disruptive. In summary, the available evidence is currently insufficient to determine the role of this variant in disease. Therefore, it has been classified as a Variant of Uncertain Significance.

NM_001018005.2(TPM1):c.536C>T (p.Ala179Val)

Gene: TPM1 (tropomyosin 1; plus strand). Cytogenetic location: 15q22.2.
Variant type: single nucleotide variant.
Coding change: c.536C>T on transcript NM_001018005.2 (MANE Select); coding-DNA position 536, C replaced by T.
Protein change: p.Ala179Val; replaces alanine 179 with valine.
Molecular consequence: missense variant. On other transcripts: non-coding transcript variant (17).
Genome position (GRCh38, 1-based): chr15:63,060,912, C>T. VCF-style: chr15-63060912-C-T. GRCh37 (hg19) VCF-style: chr15-63353111-C-T.
Other names: c.536C>T, p.Ala179Val (NM_000366.6, NM_001018004.2, NM_001018006.2 and 20 more transcripts); c.428C>T, p.Ala143Val (NM_001018008.2, NM_001301289.2, NM_001330344.2 and 9 more transcripts); c.662C>T, p.Ala221Val (NM_001365778.1, NM_001407322.1, NM_001407323.1 and 1 more transcripts); short protein forms A179V, A143V, A221V.
Identifiers: ClinVar variation 4732230 (VCV004732230.1).